The following is an entry in ClinVar:

ClinVar aggregate classification (germline): Uncertain significance (1 of 4 stars; one submission).

Conditions:
Systemic lupus erythematosus (SLE). Identifiers: Orphanet 536, MedGen C0024141, MONDO:0007915, OMIM 152700, HP:0002725.

Allele frequency attached by ClinVar (database versions not stated): ExAC 0.00047; ESP Exome Variant Server 0.00069; 1000 Genomes Project 0.00160.

Submission:

Johns Hopkins Genomics, Johns Hopkins University
Classification: Uncertain significance for Systemic lupus erythematosus. Last evaluated: 2022-06-09. Review status: criteria provided, single submitter. Criteria: ACMG Guidelines, 2015. Collection method: clinical testing. Allele origin: germline.
Comment: This DNASE1 variant (rs144059899) has been identified in a large population dataset and the minor allele frequency is neither low enough to consider the variant rare (<0.1%) nor high enough to consider it a population polymorphism (>1%) within the African/African American subpopulation (gnomAD: 64/24636 alleles; 0.26%; no homozygotes). Three bioinformatic tools queried predict that this substitution would be damaging, and the aspartic acid residue at this position is strongly evolutionarily conserved across the vertebrate species assessed. Bioinformatic analysis predicts that this missense variant would not affect normal exon 5 splicing, although this has not been confirmed experimentally to our knowledge. We consider the clinical significance of c.385G>A to be uncertain at this time.

Literature cited by the submitters: PubMed 10835632; PubMed 11479590; PubMed 18486922; PubMed 24206041.

NM_005223.4(DNASE1):c.385G>A (p.Asp129Asn)

Gene: DNASE1 (deoxyribonuclease 1; plus strand). Cytogenetic location: 16p13.3.
Variant type: single nucleotide variant.
Coding change: c.385G>A on transcript NM_005223.4 (MANE Select); coding-DNA position 385, G replaced by A.
Protein change: p.Asp129Asn; replaces aspartic acid 129 with asparagine.
Molecular consequence: missense variant. On other transcripts: non-coding transcript variant (2).
Genome position (GRCh38, 1-based): chr16:3,656,702, G>A. VCF-style: chr16-3656702-G-A. GRCh37 (hg19) VCF-style: chr16-3706703-G-A.
Other names: c.385G>A, p.Asp129Asn (NM_001351825.2, NM_001387135.1, NM_001387139.1 and 1 more transcripts); c.178G>A, p.Asp60Asn (NM_001387141.1); short protein forms D129N, D60N.
Identifiers: ClinVar variation 1704361 (VCV001704361.1), dbSNP rs144059899, ClinGen allele CA7867236.